The following is an entry in ClinVar:

ClinVar aggregate classification (germline): Uncertain significance (1 of 4 stars; one submission).

Conditions:
Hereditary cancer-predisposing syndrome. Also called: Neoplastic Syndromes, Hereditary; Tumor predisposition; Hereditary neoplastic syndrome; Hereditary Cancer Syndrome. Identifiers: Orphanet 140162, MedGen C0027672, MeSH D009386, MONDO:0015356.

Submission:

Ambry Genetics
Classification: Uncertain significance for Hereditary cancer-predisposing syndrome. Last evaluated: 2026-07-06. Review status: criteria provided, single submitter. Criteria: Ambry Variant Classification Scheme 2023. Collection method: clinical testing. Allele origin: germline.
Comment: The p.A325T variant (also known as c.973G>A), located in coding exon 5 of the FLCN gene, results from a G to A substitution at nucleotide position 973. The alanine at codon 325 is replaced by threonine, an amino acid with similar properties. This amino acid position is conserved. In addition, this alteration is predicted to be tolerated by in silico analysis. Based on the available evidence, the clinical significance of this variant remains unclear.

NM_144997.7(FLCN):c.871+102G>A

Gene: FLCN (folliculin; minus strand). Cytogenetic location: 17p11.2.
Variant type: single nucleotide variant.
Coding change: c.871+102G>A on transcript NM_144997.7 (MANE Select); 102 bases into the intron after coding-DNA position 871, G replaced by A.
Molecular consequence: intron variant. On other transcripts: missense variant (1).
Genome position (GRCh38, 1-based): chr17:17,221,435, C>T on the plus strand (G>A on the coding strand, the complement: FLCN is on the minus strand). VCF-style: chr17-17221435-C-T. GRCh37 (hg19) VCF-style: chr17-17124749-C-T.
Other names: c.973G>A, p.Ala325Thr (NM_144606.7); c.871+102G>A (NM_001353231.2, NM_001353230.2); c.925+102G>A (NM_001353229.2); short protein forms A325T.
Identifiers: ClinVar variation 5021852 (VCV005021852.1).